The following is an entry in ClinVar:

ClinVar aggregate classification (germline): Benign. Review status: criteria provided, multiple submitters, no conflicts (2 of 4 stars). 2 submissions from 2 submitters: Benign (2). Last evaluated 2018-06-16.

Allele frequency attached by ClinVar (database versions not stated): 1000 Genomes Project 0.51478; 1000 Genomes Project 30x 0.52155; gnomAD 0.60903 and 0.61732; TOPMed 0.61602.
gnomAD v4.1: 1,010,403 of 1,610,524 alleles (63%); highest among the groups gnomAD compares: Non-Finnish European, 66%; 321,443 homozygotes.

Submissions (2):

GeneDx
Classification: Benign. Last evaluated: 2018-06-16. Review status: criteria provided, single submitter. Criteria: GeneDx Variant Classification (06012015). Collection method: clinical testing. Allele origin: germline. Affected: yes.
Comment: This variant is considered likely benign or benign based on one or more of the following criteria: it is a conservative change, it occurs at a poorly conserved position in the protein, it is predicted to be benign by multiple in silico algorithms, and/or has population frequency not consistent with disease.

Breakthrough Genomics
Classification: Benign. Review status: criteria provided, single submitter. Criteria: ACMG Guidelines, 2015. Collection method: not provided. Allele origin: germline. Inheritance: Autosomal dominant inheritance. Affected: yes.

NM_005902.4(SMAD3):c.400+59G>C

Gene: SMAD3 (SMAD family member 3; plus strand). Cytogenetic location: 15q22.33.
Variant type: single nucleotide variant.
Coding change: c.400+59G>C on transcript NM_005902.4 (MANE Select); 59 bases into the intron after coding-DNA position 400, G replaced by C.
Molecular consequence: intron variant.
Genome position (GRCh38, 1-based): chr15:67,165,147, G>C. VCF-style: chr15-67165147-G-C. GRCh37 (hg19) VCF-style: chr15-67457485-G-C.
Other names: c.85+59G>C (NM_001145102.2); c.268+59G>C (NM_001145103.2).
Identifiers: ClinVar variation 672363 (VCV000672363.2), dbSNP rs2289261, ClinGen allele CA14120536.